The following is an entry in ClinVar:

ClinVar aggregate classification (germline): Conflicting classifications of pathogenicity. Review status: criteria provided, conflicting classifications (1 of 4 stars). 3 submissions from 3 submitters: Likely pathogenic (2); Uncertain significance (1). Last evaluated 2025-11-24.

Conditions:
Autosomal dominant COL4A1-related disorders.

Allele frequency attached by ClinVar (database versions not stated): TOPMed 0.00001; gnomAD exomes 0.00001; ExAC 0.00001; ESP Exome Variant Server 0.00008.
gnomAD v4.1: 8 of 1,613,848 alleles (0.0005%); highest among the groups gnomAD compares: Admixed American, 0.0033%; no homozygotes.

Submissions (3):

Variantyx, Inc.
Classification: Likely pathogenic for Autosomal dominant COL4A1-related disorders. Last evaluated: 2025-11-24. Review status: criteria provided, single submitter. Criteria: Variantyx Assertion Criteria 2022. Collection method: clinical testing. Allele origin: germline. Inheritance: Autosomal dominant inheritance. Affected: yes.
Comment: This is a nonsynonymous variant in the COL4A1 gene (OMIM: 120130). Pathogenic variants in this gene have been associated with autosomal dominant COL4A1-related disorders. This variant replaces a glycine residue in the repetitive Gly-X-Y sequence of the triple helical domain, which is a common disease mechanism in collagenopathies (PMID: 28098982, 15365990) (PM1_Strong) and multiple computational algorithms predict a deleterious effect for this variant (REVEL score: 0.813) (PP3). This variant has a 0.0033% maximum allele frequency in non-founder control populations (PM2). Inheritance from an unaffected or mildly affected parent has been reported in this gene, consistent with incomplete penetrance and variable expressivity (PMID: 36324412). Based on the current evidence, this variant is classified as likely pathogenic for autosomal dominant COL4A1-related disorders.

Labcorp Genetics (formerly Invitae), Labcorp
Classification: Likely pathogenic. Last evaluated: 2024-07-25. Review status: criteria provided, single submitter. Criteria: Invitae Variant Classification Sherloc (09022015). Collection method: clinical testing. Allele origin: germline.
Comment: This sequence change replaces glycine, which is neutral and non-polar, with serine, which is neutral and polar, at codon 553 of the COL4A1 protein (p.Gly553Ser). This variant is present in population databases (rs370670458, gnomAD 0.006%). This missense change has been observed in individual(s) with congenital heart disease (PMID: 28991257). An algorithm developed to predict the effect of missense changes on protein structure and function (PolyPhen-2) suggests that this variant is likely to be tolerated. This variant disrupts the triple helix domain of COL4A1. Glycine residues within the Gly-Xaa-Yaa repeats of the triple helix domain are required for the structure and stability of fibrillar collagens (PMID: 7695699, 8218237, 19344236). In COL4A1 variants affecting these glycine residues are significantly enriched in individuals with disease (PMID: 9016532, 17078022) compared to the general population (ExAC). In summary, the currently available evidence indicates that the variant is pathogenic, but additional data are needed to prove that conclusively. Therefore, this variant has been classified as Likely Pathogenic.

GeneDx
Classification: Uncertain significance. Last evaluated: 2023-05-14. Review status: criteria provided, single submitter. Criteria: GeneDx Variant Classification Process June 2021. Collection method: clinical testing. Allele origin: germline. Affected: yes.
Comment: In silico analysis supports that this missense variant has a deleterious effect on protein structure/function; Affects a glycine residue in a Gly-X-Y motif in the triple helical region of the COL4A1 gene; This variant is associated with the following publications: (PMID: 32368696, 28991257)

Literature cited by the submitters: PubMed 9016532 (cited by Variantyx, Inc. and Labcorp Genetics (formerly Invitae), Labcorp); PubMed 17078022 (cited by Variantyx, Inc. and Labcorp Genetics (formerly Invitae), Labcorp); PubMed 28991257 (cited by Labcorp Genetics (formerly Invitae), Labcorp); PubMed 7695699 (cited by Labcorp Genetics (formerly Invitae), Labcorp); PubMed 8218237 (cited by Labcorp Genetics (formerly Invitae), Labcorp); PubMed 19344236 (cited by Labcorp Genetics (formerly Invitae), Labcorp).

NM_001845.6(COL4A1):c.1657G>A (p.Gly553Ser)

Gene: COL4A1 (collagen type IV alpha 1 chain; minus strand). Cytogenetic location: 13q34.
Variant type: single nucleotide variant.
Coding change: c.1657G>A on transcript NM_001845.6 (MANE Select); coding-DNA position 1657, G replaced by A.
Protein change: p.Gly553Ser; replaces glycine 553 with serine.
Molecular consequence: missense variant.
Genome position (GRCh38, 1-based): chr13:110,187,209, C>T on the plus strand (G>A on the coding strand, the complement: COL4A1 is on the minus strand). VCF-style: chr13-110187209-C-T. GRCh37 (hg19) VCF-style: chr13-110839556-C-T.
Other names: c.1657G>A (NM_001845.4); short protein forms G553S.
Identifiers: ClinVar variation 2713375 (VCV002713375.5), dbSNP rs370670458, ClinGen allele CA7047864.